The following is an entry in ClinVar:

NM_001267550.2(TTN):c.3002T>G (p.Met1001Arg)

Gene: TTN (titin; minus strand). Cytogenetic location: 2q31.2.
Variant type: single nucleotide variant.
Coding change: c.3002T>G on transcript NM_001267550.2 (MANE Select); coding-DNA position 3002, T replaced by G.
Protein change: p.Met1001Arg; replaces methionine 1001 with arginine.
Molecular consequence: missense variant.
Genome position (GRCh38, 1-based): chr2:178,782,904, A>C on the plus strand (T>G on the coding strand, the complement: TTN is on the minus strand). VCF-style: chr2-178782904-A-C. GRCh37 (hg19) VCF-style: chr2-179647631-A-C.
Other names: p.M1001R:ATG>AGG; c.3002T>G, p.Met1001Arg (NM_133378.4, NM_133379.5, NM_001256850.1); c.2864T>G, p.Met955Arg (NM_003319.4, NM_133432.3, NM_133437.4); short protein forms M1001R, M955R.
Identifiers: ClinVar variation 46892 (VCV000046892.23), dbSNP rs148269839, ClinGen allele CA139441.
Genomic context (GRCh38, chr2:178,782,904, plus strand): 5'-GCCTCATTTACAGCACTGCAAGTAAATCGCCCGCTGTCTTCCGCAAATGCTTCGCGAATC[A>C]TAAGACGAGCAATTCCACTCTGGAAGGTTATCTGGAAGTCAATGGAACTTTCGATTTGGT-3'
Protein context (NP_001254479.2, residues 991-1011): ITFQSGIARL[Met1001Arg]IREAFAEDSG

ClinVar aggregate classification (germline): Conflicting classifications of pathogenicity. Review status: criteria provided, conflicting classifications (1 of 4 stars). 7 submissions from 7 submitters: Uncertain significance (5); Likely benign (2). Last evaluated 2023-05-03.

Conditions:
Cardiovascular phenotype. Identifiers: MedGen CN230736.
Dilated cardiomyopathy 1G (CMD1G). Identifiers: Orphanet 154, MedGen C1858763, MONDO:0011400, OMIM 604145.
Autosomal recessive limb-girdle muscular dystrophy type 2J (LGMDR10). Also called: Limb-girdle muscular dystrophy, type 2J; MUSCULAR DYSTROPHY, LIMB-GIRDLE, AUTOSOMAL RECESSIVE 10. Identifiers: Orphanet 140922, MedGen C1837342, MONDO:0012127, OMIM 608807.

Allele frequency attached by ClinVar (database versions not stated): TOPMed 0.00015; ESP Exome Variant Server 0.00031.

Submissions (7):

Women's Health and Genetics/Laboratory Corporation of America, LabCorp
Classification: Uncertain significance. Last evaluated: 2023-05-03. Review status: criteria provided, single submitter. Criteria: LabCorp Variant Classification Summary - May 2015. Collection method: clinical testing. Allele origin: germline.
Comment: Variant summary: TTN c.3002T>G (p.Met1001Arg) results in a non-conservative amino acid change located in the near Z-disk domain of the encoded protein sequence. Three of five in-silico tools predict a damaging effect of the variant on protein function. The variant allele was found at a frequency of 0.00012 in 250896 control chromosomes. This frequency is not significantly higher than estimated for a pathogenic variant in TTN causing Dilated Cardiomyopathy (0.00012 vs 0.00039), allowing no conclusion about variant significance. c.3002T>G has been reported in the literature in individuals affected with Dilated Cardiomyopathy (Minoche_2019, vanLint_2019, Horvat_2019). In one family with this variant, 6 transmissions of the variant allele and 1 transmission of the reference allele to affected individuals were reported (Horvat_2019). These data indicate that the variant does not fully segregate with the disease. To our knowledge, no experimental evidence demonstrating an impact on protein function has been reported. The following publications have been ascertained in the context of this evaluation (PMID: 30847666, 29961767, 29892087). Six clinical diagnostic laboratories have submitted clinical-significance assessments for this variant to ClinVar after 2014 without evidence for independent evaluation. Multiple laboratories reported the variant with conflicting assessments, classifying the variant as uncertain significance (n=4) or likely benign (n=2). Based on the evidence outlined above, the variant was classified as VUS.

Revvity Omics, Revvity
Classification: Uncertain significance. Last evaluated: 2022-08-24. Review status: criteria provided, single submitter. Criteria: ACMG Guidelines, 2015. Collection method: clinical testing. Allele origin: germline.

GeneDx
Classification: Likely benign. Last evaluated: 2021-01-12. Review status: criteria provided, single submitter. Criteria: GeneDx Variant Classification Process June 2021. Collection method: clinical testing. Allele origin: germline. Affected: yes.
Comment: This variant is associated with the following publications: (PMID: 29961767, 30847666)

Ambry Genetics
Classification: Likely benign for Cardiovascular phenotype. Last evaluated: 2020-07-22. Review status: criteria provided, single submitter. Criteria: Ambry Variant Classification Scheme 2023. Collection method: clinical testing. Allele origin: germline.

Labcorp Genetics (formerly Invitae), Labcorp
Classification: Uncertain significance for Dilated cardiomyopathy 1G; Autosomal recessive limb-girdle muscular dystrophy type 2J. Last evaluated: 2017-04-14. Review status: criteria provided, single submitter. Criteria: Invitae Variant Classification Sherloc (09022015). Collection method: clinical testing. Allele origin: germline.

Eurofins Ntd Llc (ga)
Classification: Uncertain significance. Last evaluated: 2015-10-08. Review status: criteria provided, single submitter. Criteria: EGL Classification Definitions 2015. Collection method: clinical testing. Allele origin: germline. Observed: 2 variant alleles, 2 heterozygotes.

Laboratory for Molecular Medicine, Mass General Brigham Personalized Medicine
Classification: Uncertain significance. Last evaluated: 2015-08-12. Review status: criteria provided, single submitter. Criteria: LMM Criteria. Collection method: clinical testing. Allele origin: germline. Observed: 5 variant alleles.
Comment: This variant has been identified in 13/66704 European chromosomes by the Exome Aggregation Consortium (ExAC; dbSNP rs148 269839). Computational prediction tools and conservation analysis do not provide strong support for or against an impact to the protein. Computational splicing tools suggest this variant may lead to the creation of a novel splice site; howe ver, this information is not predictive enough to determine pathogenicity. In su mmary, the clinical significance of the p.Met1001Arg variant is uncertain.

Literature cited by the submitters: PubMed 29961767 (cited by Women's Health and Genetics/Laboratory Corporation of America, LabCorp and Ambry Genetics); PubMed 30847666 (cited by Women's Health and Genetics/Laboratory Corporation of America, LabCorp); PubMed 29892087 (cited by Women's Health and Genetics/Laboratory Corporation of America, LabCorp).